The following is an entry in ClinVar:

ClinVar aggregate classification (germline): Uncertain significance. Review status: criteria provided, multiple submitters, no conflicts (2 of 4 stars). 2 submissions from 2 submitters: Uncertain significance (2). Last evaluated 2025-11-10.

Conditions:
Hereditary cancer-predisposing syndrome. Also called: Hereditary neoplastic syndrome; Tumor predisposition; Hereditary Cancer Syndrome; Neoplastic Syndromes, Hereditary. Identifiers: Orphanet 140162, MedGen C0027672, MeSH D009386, MONDO:0015356.
Gastrointestinal stromal tumor. Also called: Gastrointestinal stroma tumor; Gastrointestinal stromal tumor, somatic. Identifiers: Orphanet 44890, MedGen C0238198, MeSH D046152, MONDO:0011719, OMIM 606764, HP:0100723.

gnomAD v4.1: 1 of 1,614,102 alleles (0.000062%); highest among the groups gnomAD compares: African/African-American, 0.0013%; no homozygotes.

Submissions (2):

Labcorp Genetics (formerly Invitae), Labcorp
Classification: Uncertain significance for Gastrointestinal stromal tumor. Last evaluated: 2025-11-10. Review status: criteria provided, single submitter. Criteria: Invitae Variant Classification Sherloc (09022015). Collection method: clinical testing. Allele origin: germline.
Comment: This sequence change replaces threonine, which is neutral and polar, with alanine, which is neutral and non-polar, at codon 67 of the KIT protein (p.Thr67Ala). This variant is not present in population databases (gnomAD no frequency). This variant has not been reported in the literature in individuals affected with KIT-related conditions. ClinVar contains an entry for this variant (Variation ID: 1480561). An algorithm developed to predict the effect of missense changes on protein structure and function (PolyPhen-2) suggests that this variant is likely to be tolerated. In summary, the available evidence is currently insufficient to determine the role of this variant in disease. Therefore, it has been classified as a Variant of Uncertain Significance.

Ambry Genetics
Classification: Uncertain significance for Hereditary cancer-predisposing syndrome. Last evaluated: 2024-03-09. Review status: criteria provided, single submitter. Criteria: Ambry Variant Classification Scheme 2023. Collection method: clinical testing. Allele origin: germline.
Comment: The p.T67A variant (also known as c.199A>G), located in coding exon 2 of the KIT gene, results from an A to G substitution at nucleotide position 199. The threonine at codon 67 is replaced by alanine, an amino acid with similar properties. This amino acid position is conserved. In addition, this alteration is predicted to be tolerated by in silico analysis. Based on the available evidence, the clinical significance of this alteration remains unclear.

NM_000222.3(KIT):c.199A>G (p.Thr67Ala)

Gene: KIT (KIT proto-oncogene, receptor tyrosine kinase; plus strand). Cytogenetic location: 4q12.
Variant type: single nucleotide variant.
Coding change: c.199A>G on transcript NM_000222.3 (MANE Select); coding-DNA position 199, A replaced by G.
Protein change: p.Thr67Ala; replaces threonine 67 with alanine.
Molecular consequence: missense variant.
Genome position (GRCh38, 1-based): chr4:54,695,643, A>G. VCF-style: chr4-54695643-A-G. GRCh37 (hg19) VCF-style: chr4-55561809-A-G.
Other names: c.199A>G (NM_000222.2); c.199A>G, p.Thr67Ala (NM_001093772.2, NM_001385284.1, NM_001385285.1 and 4 more transcripts); short protein forms T67A.
Identifiers: ClinVar variation 1480561 (VCV001480561.9), dbSNP rs139441923, ClinGen allele CA356897044.